The following is an entry in ClinVar:

NM_019066.5(MAGEL2):c.789T>C (p.Pro263=)

Gene: MAGEL2 (MAGE family member L2; minus strand). Cytogenetic location: 15q11.2.
Variant type: single nucleotide variant.
Coding change: c.789T>C on transcript NM_019066.5 (MANE Select); coding-DNA position 789, T replaced by C.
Protein change: p.Pro263=; no amino-acid change (proline 263 retained).
Molecular consequence: synonymous variant.
Genome position (GRCh38, 1-based): chr15:23,646,954, A>G on the plus strand (T>C on the coding strand, the complement: MAGEL2 is on the minus strand). VCF-style: chr15-23646954-A-G. GRCh37 (hg19) VCF-style: chr15-23892101-A-G.
Identifiers: ClinVar variation 435796 (VCV000435796.10), dbSNP rs993057859, ClinGen allele CA267661098.

ClinVar aggregate classification (germline): Conflicting classifications of pathogenicity. Review status: criteria provided, conflicting classifications (1 of 4 stars). 3 submissions from 3 submitters: Uncertain significance (1); Likely benign (2). Last evaluated 2024-11-12.

Allele frequency attached by ClinVar (database versions not stated): gnomAD 0.00001; gnomAD exomes 0.00001; TOPMed 0.00002.

Submissions (3):

Blueprint Genetics
Classification: Likely benign. Last evaluated: 2024-11-12. Review status: criteria provided, single submitter. Criteria: ACMG Guidelines, 2015. Collection method: clinical testing. Allele origin: germline.

Labcorp Genetics (formerly Invitae), Labcorp
Classification: Uncertain significance. Last evaluated: 2023-11-20. Review status: criteria provided, single submitter. Criteria: Invitae Variant Classification Sherloc (09022015). Collection method: clinical testing. Allele origin: germline.
Comment: This sequence change affects codon 263 of the MAGEL2 mRNA. It is a 'silent' change, meaning that it does not change the encoded amino acid sequence of the MAGEL2 protein. This variant is present in population databases (no rsID available, gnomAD 0.002%). This variant has not been reported in the literature in individuals affected with MAGEL2-related conditions. ClinVar contains an entry for this variant (Variation ID: 435796). In summary, the available evidence is currently insufficient to determine the role of this variant in disease. Therefore, it has been classified as a Variant of Uncertain Significance.

Genetic Services Laboratory, University of Chicago
Classification: Likely benign. Last evaluated: 2016-11-21. Review status: criteria provided, single submitter. Criteria: ACMG Guidelines, 2015. Collection method: clinical testing. Allele origin: germline. Affected: no.